The following is an entry in ClinVar:

NM_138420.4(AHNAK2):c.5124T>C (p.Ile1708=)

Gene: AHNAK2 (AHNAK nucleoprotein 2; minus strand). Cytogenetic location: 14q32.33.
Variant type: single nucleotide variant.
Coding change: c.5124T>C on transcript NM_138420.4 (MANE Select); coding-DNA position 5124, T replaced by C.
Protein change: p.Ile1708=; no amino-acid change (isoleucine 1708 retained).
Molecular consequence: synonymous variant.
Genome position (GRCh38, 1-based): chr14:104,950,327, A>G on the plus strand (T>C on the coding strand, the complement: AHNAK2 is on the minus strand). VCF-style: chr14-104950327-A-G. GRCh37 (hg19) VCF-style: chr14-105416664-A-G.
Other names: c.4824T>C, p.Ile1608= (NM_001350929.2).
Identifiers: ClinVar variation 3904968 (VCV003904968.10).

ClinVar aggregate classification (germline): Likely benign (1 of 4 stars; one submission).

gnomAD v4.1: 44 of 1,581,400 alleles (0.0028%); highest among the groups gnomAD compares: Non-Finnish European, 0.0037%; 5 homozygotes.

Submission:

CeGaT Center for Human Genetics Tuebingen
Classification: Likely benign. Last evaluated: 2025-06-01. Review status: criteria provided, single submitter. Criteria: CeGaT Center For Human Genetics Tuebingen Variant Classification Criteria Version 2. Collection method: clinical testing. Allele origin: germline. Affected: yes. Observed: 1 variant allele.
Comment: AHNAK2: BP4, BP7, BS2